The following is an entry in ClinVar:

NM_001374736.1(DST):c.128A>G (p.Gln43Arg)

Gene: DST (dystonin; minus strand). Cytogenetic location: 6p12.1.
Variant type: single nucleotide variant.
Coding change: c.128A>G on transcript NM_001374736.1 (MANE Select); coding-DNA position 128, A replaced by G.
Protein change: p.Gln43Arg; replaces glutamine 43 with arginine.
Molecular consequence: missense variant.
Genome position (GRCh38, 1-based): chr6:56,954,460, T>C on the plus strand (A>G on the coding strand, the complement: DST is on the minus strand). VCF-style: chr6-56954460-T-C. GRCh37 (hg19) VCF-style: chr6-56819258-T-C.
Other names: c.128A>G, p.Gln43Arg (NM_001144769.5, NM_001374722.1, NM_001374734.1); c.-311672A>G (NM_001723.7); short protein forms Q43R.
Identifiers: ClinVar variation 2525114 (VCV002525114.4), dbSNP rs371992372, ClinGen allele CA3872066.

ClinVar aggregate classification (germline): Uncertain significance. Review status: criteria provided, multiple submitters, no conflicts (2 of 4 stars). 3 submissions from 3 submitters: Uncertain significance (3). Last evaluated 2026-07-22.

Conditions:
Inborn genetic diseases. Identifiers: MedGen C0950123, MeSH D030342.
DST-related disorder. Also called: DST-related condition; DST-related disorders.

Allele frequency attached by ClinVar (database versions not stated): gnomAD 0.00003; ExAC 0.00004; TOPMed 0.00004; ESP Exome Variant Server 0.00010; gnomAD exomes 0.00023.
gnomAD v4.1: 285 of 1,367,430 alleles (0.021%); highest among the groups gnomAD compares: Non-Finnish European, 0.027%; 1 homozygote.

Submissions (3):

PreventionGenetics, part of Exact Sciences
Classification: Uncertain significance for DST-related condition. Last evaluated: 2026-07-22. Review status: criteria provided, single submitter. Criteria: ACMG Guidelines, 2015. Collection method: clinical testing. Allele origin: germline.
Comment: The DST c.128A>G variant is predicted to result in the amino acid substitution p.Gln43Arg. To our knowledge, this variant has not been reported in the literature. This variant is reported in 0.0063% of alleles in individuals of European (Non-Finnish) descent in gnomAD. At this time, the clinical significance of this variant is uncertain due to the absence of conclusive functional and genetic evidence.

Women's Health and Genetics/Laboratory Corporation of America, LabCorp
Classification: Uncertain significance. Last evaluated: 2026-06-11. Review status: criteria provided, single submitter. Criteria: LabCorp Variant Classification Summary - May 2015. Collection method: clinical testing. Allele origin: germline.
Comment: Variant summary: DST c.128A>G (p.Gln43Arg) results in a conservative amino acid change in the encoded protein sequence. Algorithms developed to predict the effect of missense changes on protein structure and function are either unavailable or do not agree on the potential impact of this missense change. This variant is also annotated as DST c.-311672A>G is located in the untranscribed region upstream of the DST gene region. The variant allele was found at a frequency of 3.6e-05 in 248120 control chromosomes. The available data on variant occurrences in the general population are insufficient to allow any conclusion about variant significance. To our knowledge, no occurrence of c.128A>G in individuals affected with DST-related conditions and no experimental evidence demonstrating its impact on protein function have been reported. ClinVar contains an entry for this variant (Variation ID: 2525114). Based on the evidence outlined above, the variant was classified as uncertain significance.

Ambry Genetics
Classification: Uncertain significance for Inborn genetic diseases. Last evaluated: 2023-04-06. Review status: criteria provided, single submitter. Criteria: Ambry Variant Classification Scheme 2023. Collection method: clinical testing. Allele origin: germline.